The following is an entry in ClinVar:

NM_020778.5(ALPK3):c.387T>C (p.Thr129=)

Gene: ALPK3 (alpha kinase 3; plus strand). Cytogenetic location: 15q25.3.
Variant type: single nucleotide variant.
Coding change: c.387T>C on transcript NM_020778.5 (MANE Select); coding-DNA position 387, T replaced by C.
Protein change: p.Thr129=; no amino-acid change (threonine 129 retained).
Molecular consequence: synonymous variant.
Genome position (GRCh38, 1-based): chr15:84,839,062, T>C. VCF-style: chr15-84839062-T-C. GRCh37 (hg19) VCF-style: chr15-85382293-T-C.
Identifiers: ClinVar variation 1588122 (VCV001588122.12), dbSNP rs570471146, ClinGen allele CA7708952.
Genomic context (GRCh38, chr15:84,839,062, plus strand): 5'-CTGGTACAAGGATGATACGGAGCTGGACCGCTACTGTGGCTTGCCAAAATATGAGATCAC[T>C]CATCAGGGCAACCGCCACACACTGCAGCTGTACAGGTGAGGGAGAAGGGCCTGTTTTGCT-3'
Protein context (NP_065829.4, residues 119-139): RYCGLPKYEI[Thr129=]HQGNRHTLQL

ClinVar aggregate classification (germline): Likely benign. Review status: criteria provided, multiple submitters, no conflicts (2 of 4 stars). 3 submissions from 3 submitters: Likely benign (2). 1 of the submissions does not count toward it. Last evaluated 2025-04-14.

Conditions:
ALPK3-related disorder. Also called: ALPK3-related condition.
Cardiovascular phenotype. Identifiers: MedGen CN230736.

Allele frequency attached by ClinVar (database versions not stated): gnomAD 0.00001; gnomAD exomes 0.00001 and 0.00003; TOPMed 0.00001; ExAC 0.00002.
gnomAD v4.1: 10 of 1,609,802 alleles (0.00062%); highest among the groups gnomAD compares: Admixed American, 0.017%; no homozygotes.

Submissions (3):

Labcorp Genetics (formerly Invitae), Labcorp
Classification: Likely benign. Last evaluated: 2025-04-14. Review status: criteria provided, single submitter. Criteria: Invitae Variant Classification Sherloc (09022015). Collection method: clinical testing. Allele origin: germline.

Ambry Genetics
Classification: Likely benign for Cardiovascular phenotype. Last evaluated: 2019-10-06. Review status: criteria provided, single submitter. Criteria: Ambry Variant Classification Scheme 2023. Collection method: clinical testing. Allele origin: germline.

PreventionGenetics, part of Exact Sciences
Classification: Likely benign for ALPK3-related condition. Last evaluated: 2020-10-26. Review status: no assertion criteria provided. Collection method: clinical testing. Allele origin: germline. Not counted in ClinVar's aggregate classification.
Comment: This variant is classified as likely benign based on ACMG/AMP sequence variant interpretation guidelines (Richards et al. 2015 PMID: 25741868, with internal and published modifications).